The following is an entry in ClinVar:

NM_178452.6(DNAAF1):c.303G>C (p.Lys101Asn)

Gene: DNAAF1 (dynein axonemal assembly factor 1; plus strand). Cytogenetic location: 16q24.1.
Variant type: single nucleotide variant.
Coding change: c.303G>C on transcript NM_178452.6 (MANE Select); coding-DNA position 303, G replaced by C.
Protein change: p.Lys101Asn; replaces lysine 101 with asparagine.
Molecular consequence: missense variant.
Genome position (GRCh38, 1-based): chr16:84,150,293, G>C. VCF-style: chr16-84150293-G-C. GRCh37 (hg19) VCF-style: chr16-84183898-G-C.
Other names: short protein forms K101N.
Identifiers: ClinVar variation 262951 (VCV000262951.15), dbSNP rs140386513, ClinGen allele CA8202434.

ClinVar aggregate classification (germline): Conflicting classifications of pathogenicity. Review status: criteria provided, conflicting classifications (1 of 4 stars). 5 submissions from 5 submitters: Uncertain significance (1); Benign (1); Likely benign (3). Last evaluated 2026-01-21.

Conditions:
Primary ciliary dyskinesia. Also called: Ciliary dyskinesia. Identifiers: Orphanet 244, MedGen C0008780, MONDO:0016575, HP:0012265.
Primary ciliary dyskinesia 13. Also called: CILIARY DYSKINESIA, PRIMARY, 13, WITH OR WITHOUT SITUS INVERSUS. Identifiers: Orphanet 244, MedGen C2750790, MONDO:0013174, OMIM 613193.

Allele frequency attached by ClinVar (database versions not stated): TOPMed 0.00209; 1000 Genomes Project 0.00220; ESP Exome Variant Server 0.00231; 1000 Genomes Project 30x 0.00281; gnomAD exomes 0.00051; gnomAD 0.00174 and 0.00190.
gnomAD v4.1: 509 of 1,614,042 alleles (0.032%); highest among the groups gnomAD compares: African/African-American, 0.6%; no homozygotes.

Submissions (5):

Labcorp Genetics (formerly Invitae), Labcorp
Classification: Likely benign for Primary ciliary dyskinesia. Last evaluated: 2026-01-21. Review status: criteria provided, single submitter. Criteria: Invitae Variant Classification Sherloc (09022015). Collection method: clinical testing. Allele origin: germline.

GeneDx
Classification: Uncertain significance. Last evaluated: 2025-08-04. Review status: criteria provided, single submitter. Criteria: GeneDx Variant Classification Process June 2021. Collection method: clinical testing. Allele origin: germline. Affected: yes.
Comment: In silico analysis supports that this missense variant has a deleterious effect on protein structure/function; Has not been previously published as pathogenic or benign to our knowledge

Ambry Genetics
Classification: Benign for Primary ciliary dyskinesia. Last evaluated: 2022-07-22. Review status: criteria provided, single submitter. Criteria: Ambry Variant Classification Scheme 2023. Collection method: clinical testing. Allele origin: germline.

Fulgent Genetics
Classification: Likely benign for Primary ciliary dyskinesia 13. Last evaluated: 2022-05-03. Review status: criteria provided, single submitter. Criteria: ACMG Guidelines, 2015. Collection method: clinical testing. Allele origin: unknown.

PreventionGenetics, part of Exact Sciences
Classification: Likely benign. Review status: criteria provided, single submitter. Criteria: ACMG Guidelines, 2015. Collection method: clinical testing. Allele origin: germline.